The following is an entry in ClinVar:

ClinVar aggregate classification (germline): Pathogenic. Review status: reviewed by expert panel (3 of 4 stars). 2 submissions from 2 submitters: Pathogenic (1). 1 of the submissions does not count toward it. Last evaluated 2013-09-05.

Conditions:
Lynch syndrome. Identifiers: Orphanet 144, MedGen C4552100, MONDO:0005835. Disease mechanism: loss of function.

Submissions (2):

International Society for Gastrointestinal Hereditary Tumours (InSiGHT)
Classification: Pathogenic for Lynch Syndrome. Last evaluated: 2013-09-05. Review status: reviewed by expert panel. Criteria: Guidelines v1.9. Collection method: research. Allele origin: germline.
Comment: Large deletion

Classified with v1.9 guidelines

Labcorp Genetics (formerly Invitae), Labcorp
Classification: Pathogenic for Hereditary nonpolyposis colorectal neoplasms. Last evaluated: 2017-01-25. Review status: criteria provided, single submitter. Criteria: Invitae Variant Classification Sherloc (09022015). Collection method: clinical testing. Allele origin: germline. Not counted in ClinVar's aggregate classification.
Comment: This variant is a gross deletion of the genomic region encompassing exon 1 of the PMS2 gene, which includes the initiator codon. The 5' end of this event is unknown as it extends beyond the assayed region for this gene and therefore may encompass additional genes. The 3' boundary is likely confined to intron 1 of the PMS2 gene. This is expected to result in an absent or disrupted protein product. Loss-of-function variants in PMS2 are known to be pathogenic. A deletion of exon 1 has been reported in the literature in an individual with colorectal cancer (PMID: 18809606, 18602922), and was observed in trans with a second pathogenic PMS2 variant (c.24-12_107del96insAAAT) in two siblings with phenotypes consistent with constitutional mismatch repair-deficiency (PMID: 24068316). For these reasons, this variant has been classified as Pathogenic.

NM_000535.5(PMS2):c.(?_-87)_23+?del

Gene: PMS2 (PMS1 homolog 2, mismatch repair system component; minus strand). Cytogenetic location: 7p22.1.
Variant type: Deletion.
Other names: c.(?_-87)_23+?del (LRG_161t1).
Identifiers: ClinVar variation 91276 (VCV000091276.2).